The following is an entry in ClinVar:

ClinVar aggregate classification (germline): Benign (1 of 4 stars; one submission).

Allele frequency attached by ClinVar (database versions not stated): 1000 Genomes Project 30x 0.31621; 1000 Genomes Project 0.31849; TOPMed 0.37626; gnomAD 0.39808 and 0.39838.
gnomAD v4.1: 60,426 of 151,412 alleles (40%); highest among the groups gnomAD compares: Non-Finnish European, 52%; 13,759 homozygotes.

Submission:

GeneDx
Classification: Benign. Last evaluated: 2018-06-14. Review status: criteria provided, single submitter. Criteria: GeneDx Variant Classification (06012015). Collection method: clinical testing. Allele origin: germline. Affected: yes.
Comment: This variant is considered likely benign or benign based on one or more of the following criteria: it is a conservative change, it occurs at a poorly conserved position in the protein, it is predicted to be benign by multiple in silico algorithms, and/or has population frequency not consistent with disease.

NM_032578.4(MYPN):c.1973+187A>C

Gene: MYPN (myopalladin; plus strand). Cytogenetic location: 10q21.3.
Variant type: single nucleotide variant.
Coding change: c.1973+187A>C on transcript NM_032578.4 (MANE Select); 187 bases into the intron after coding-DNA position 1973, A replaced by C.
Molecular consequence: intron variant.
Genome position (GRCh38, 1-based): chr10:68,166,853, A>C. VCF-style: chr10-68166853-A-C. GRCh37 (hg19) VCF-style: chr10-69926610-A-C.
Other names: c.1973+187A>C (NM_001256267.2); c.1091+187A>C (NM_001256268.2).
Identifiers: ClinVar variation 672834 (VCV000672834.1), dbSNP rs7905259, ClinGen allele CA13193304.